The following is an entry in ClinVar:

ClinVar aggregate classification (germline): Uncertain significance (1 of 4 stars; one submission).

Conditions:
Heparin cofactor II deficiency. Also called: HCF II DEFICIENCY; HCF2 DEFICIENCY; THROMBOPHILIA DUE TO HEPARIN COFACTOR II DEFICIENCY; Heparin cofactor 2 deficiency. Identifiers: MedGen C0398626, MONDO:0012876, OMIM 612356.

Allele frequency attached by ClinVar (database versions not stated): gnomAD exomes below 0.00001 and 0.00002; gnomAD 0.00001; TOPMed 0.00001.
gnomAD v4.1: 29 of 1,614,050 alleles (0.0018%); highest among the groups gnomAD compares: Non-Finnish European, 0.0025%; no homozygotes.

Submission:

Centre of Medical Genetics, University Hospital Muenster
Classification: Uncertain significance for Heparin cofactor II deficiency. Last evaluated: 2022-03-29. Review status: criteria provided, single submitter. Criteria: ACMG Guidelines, 2015. Collection method: clinical testing. Allele origin: germline. Affected: yes. Observed: 1 variant allele, 1 heterozygote.
Comment: ACMG categories: PM1,PM2

NM_000185.4(SERPIND1):c.700C>T (p.Leu234Phe)

Genes: PI4KA (phosphatidylinositol 4-kinase alpha; minus strand), SERPIND1 (serpin family D member 1; plus strand). Cytogenetic location: 22q11.21.
Variant type: single nucleotide variant.
Coding change: c.700C>T on transcript NM_000185.4 (MANE Select); coding-DNA position 700, C replaced by T.
Protein change: p.Leu234Phe; replaces leucine 234 with phenylalanine.
Molecular consequence: missense variant. On other transcripts: intron variant (3).
Genome position (GRCh38, 1-based): chr22:20,780,012, C>T. VCF-style: chr22-20780012-C-T. GRCh37 (hg19) VCF-style: chr22-21134300-C-T.
Other names: c.2262+13181G>A (NM_001362863.2); c.2328+13181G>A (NM_001362862.2, NM_058004.4); short protein forms L234F.
Identifiers: ClinVar variation 1676783 (VCV001676783.2), dbSNP rs773928062, ClinGen allele CA322258706.